The following is an entry in ClinVar:

NM_000071.3(CBS):c.702del (p.Asp234fs)

Gene: CBS (cystathionine beta-synthase; minus strand). Cytogenetic location: 21q22.3.
Variant type: Deletion.
Coding change: c.702del on transcript NM_000071.3 (MANE Select); coding-DNA position 702, one base deleted (C; older notation c.702delC).
Protein change: p.Asp234fs; shifts the reading frame from aspartic acid 234.
Molecular consequence: frameshift variant.
Genome position (GRCh38, 1-based): chr21:43,065,237, G deleted on the plus strand (C on the coding strand, the reverse complement: CBS is on the minus strand). VCF-style (leftmost placement, unchanged base first): chr21-43065236-TG-T. GRCh37 (hg19) VCF-style: chr21-44485346-TG-T.
Other names: c.702del, p.Asp234fs (NM_001178008.3, NM_001178009.3, NM_001320298.2); c.387del, p.Asp129fs (NM_001321072.1); short protein forms D129fs, D234fs.
Identifiers: ClinVar variation 1402639 (VCV001402639.6), dbSNP rs2146381604, ClinGen allele CA2573157470.
Genomic context (GRCh38, chr21:43,065,236, plus strand): 5'-GCAATCAAGATGGACAGAGGGACGCACCATCACACTGCTGCAGGATCTCATCAGCGGTGG[TG>T]TCGTAGTGAGCCAGGGGGTTGCTGGCGTTGCGGTACTGCATAGAAAGAGAGCAGAGCCCG-3'

ClinVar aggregate classification (germline): Pathogenic (1 of 4 stars; one submission).

Conditions:
HYPERHOMOCYSTEINEMIA, THROMBOTIC, CBS-RELATED. Identifiers: MedGen C3150344, OMIM 236200.

Submission:

Labcorp Genetics (formerly Invitae), Labcorp
Classification: Pathogenic for HYPERHOMOCYSTEINEMIA, THROMBOTIC, CBS-RELATED. Last evaluated: 2023-04-08. Review status: criteria provided, single submitter. Criteria: Invitae Variant Classification Sherloc (09022015). Collection method: clinical testing. Allele origin: germline.
Comment: This sequence change creates a premature translational stop signal (p.Asp234Glufs*35) in the CBS gene. It is expected to result in an absent or disrupted protein product. Loss-of-function variants in CBS are known to be pathogenic (PMID: 10338090, 12124992). This variant is not present in population databases (gnomAD no frequency). This variant has not been reported in the literature in individuals affected with CBS-related conditions. ClinVar contains an entry for this variant (Variation ID: 1402639). For these reasons, this variant has been classified as Pathogenic.

Literature cited by the submitters: PubMed 10338090; PubMed 12124992.